The following is an entry in ClinVar:

NM_005051.3(QARS1):c.2167G>C (p.Val723Leu)

Gene: QARS1 (glutaminyl-tRNA synthetase 1; minus strand). Cytogenetic location: 3p21.31.
Variant type: single nucleotide variant.
Coding change: c.2167G>C on transcript NM_005051.3 (MANE Select); coding-DNA position 2167, G replaced by C.
Protein change: p.Val723Leu; replaces valine 723 with leucine.
Molecular consequence: missense variant. On other transcripts: non-coding transcript variant (1).
Genome position (GRCh38, 1-based): chr3:49,098,102, C>G on the plus strand (G>C on the coding strand, the complement: QARS1 is on the minus strand). VCF-style: chr3-49098102-C-G. GRCh37 (hg19) VCF-style: chr3-49135535-C-G.
Other names: c.2134G>C, p.Val712Leu (NM_001272073.2); short protein forms V712L, V723L.
Identifiers: ClinVar variation 2001227 (VCV002001227.4), dbSNP rs2471842700, ClinGen allele CA352697599.

ClinVar aggregate classification (germline): Uncertain significance (1 of 4 stars; one submission).

Conditions:
Diffuse cerebral and cerebellar atrophy - intractable seizures - progressive microcephaly syndrome. Also called: Microcephaly, progressive, with seizures and cerebral and cerebellar atrophy. Identifiers: Orphanet 404437, MedGen C4014239, MONDO:0014335, OMIM 615760.

Submission:

Labcorp Genetics (formerly Invitae), Labcorp
Classification: Uncertain significance for Diffuse cerebral and cerebellar atrophy - intractable seizures - progressive microcephaly syndrome. Last evaluated: 2025-11-03. Review status: criteria provided, single submitter. Criteria: Invitae Variant Classification Sherloc (09022015). Collection method: clinical testing. Allele origin: germline.
Comment: This sequence change replaces valine, which is neutral and non-polar, with leucine, which is neutral and non-polar, at codon 723 of the QARS protein (p.Val723Leu). This variant is not present in population databases (gnomAD no frequency). This variant has not been reported in the literature in individuals affected with QARS-related conditions. ClinVar contains an entry for this variant (Variation ID: 2001227). Invitae Evidence Modeling of protein sequence and biophysical properties (such as structural, functional, and spatial information, amino acid conservation, physicochemical variation, residue mobility, and thermodynamic stability) has been performed for this missense variant. However, the output from this modeling did not meet the statistical confidence thresholds required to predict the impact of this variant on QARS protein function. In summary, the available evidence is currently insufficient to determine the role of this variant in disease. Therefore, it has been classified as a Variant of Uncertain Significance.